The following is an entry in ClinVar:

NM_001298.3(CNGA3):c.566+6C>T

Gene: CNGA3 (cyclic nucleotide gated channel subunit alpha 3; plus strand). Cytogenetic location: 2q11.2.
Variant type: single nucleotide variant.
Coding change: c.566+6C>T on transcript NM_001298.3 (MANE Select); 6 bases into the intron after coding-DNA position 566, C replaced by T.
Molecular consequence: intron variant.
Genome position (GRCh38, 1-based): chr2:98,389,780, C>T. VCF-style: chr2-98389780-C-T. GRCh37 (hg19) VCF-style: chr2-99006243-C-T.
Other names: c.512+6C>T (NM_001079878.2).
Identifiers: ClinVar variation 337658 (VCV000337658.18), dbSNP rs199558955, ClinGen allele CA1793788.

ClinVar aggregate classification (germline): Conflicting classifications of pathogenicity. Review status: criteria provided, conflicting classifications (1 of 4 stars). 4 submissions from 4 submitters: Uncertain significance (1); Likely benign (2). 1 of the submissions does not count toward it. Last evaluated 2025-12-30.

Conditions:
CNGA3-related disorder. Also called: CNGA3-related condition.
Achromatopsia 2 (ACHM2). Also called: COLORBLINDNESS, TOTAL; ROD MONOCHROMACY 2; ROD MONOCHROMATISM 2. Identifiers: Orphanet 49382, MedGen C1857618, MONDO:0009003, OMIM 216900.

Allele frequency attached by ClinVar (database versions not stated): ESP Exome Variant Server 0.00015; gnomAD 0.00054 and 0.00080; ExAC 0.00072; TOPMed 0.00082; 1000 Genomes Project 30x 0.00109; 1000 Genomes Project 0.00120.
gnomAD v4.1: 983 of 1,608,646 alleles (0.061%); highest among the groups gnomAD compares: South Asian, 0.17%; 2 homozygotes.

Submissions (4):

Labcorp Genetics (formerly Invitae), Labcorp
Classification: Likely benign. Last evaluated: 2025-12-30. Review status: criteria provided, single submitter. Criteria: Invitae Variant Classification Sherloc (09022015). Collection method: clinical testing. Allele origin: germline.

Blueprint Genetics
Classification: Likely benign. Last evaluated: 2024-10-08. Review status: criteria provided, single submitter. Criteria: ACMG Guidelines, 2015. Collection method: clinical testing. Allele origin: germline.

Illumina Laboratory Services, Illumina
Classification: Uncertain significance for Achromatopsia 2. Last evaluated: 2018-01-12. Review status: criteria provided, single submitter. Criteria: ICSL Variant Classification Criteria 13 December 2019. Collection method: clinical testing. Allele origin: germline.

PreventionGenetics, part of Exact Sciences
Classification: Likely benign for CNGA3-related condition. Last evaluated: 2019-07-11. Review status: no assertion criteria provided. Collection method: clinical testing. Allele origin: germline. Not counted in ClinVar's aggregate classification.
Comment: This variant is classified as likely benign based on ACMG/AMP sequence variant interpretation guidelines (Richards et al. 2015 PMID: 25741868, with internal and published modifications).